The following is an entry in ClinVar:

ClinVar aggregate classification (germline): Conflicting classifications of pathogenicity. Review status: criteria provided, conflicting classifications (1 of 4 stars). 4 submissions from 4 submitters: Pathogenic (1); Likely pathogenic (1); Uncertain significance (2). Last evaluated 2025-07-18.

Conditions:
BIN1-related disorder. Also called: BIN1-related condition.
Myopathy, centronuclear, 2 (CNM2). Also called: MYOTUBULAR MYOPATHY, AUTOSOMAL RECESSIVE. Identifiers: Orphanet 169186, MedGen CN031787, MONDO:0009709, OMIM 255200.

Allele frequency attached by ClinVar (database versions not stated): gnomAD exomes below 0.00001.
gnomAD v4.1: 1 of 1,557,194 alleles (0.000064%); highest among the groups gnomAD compares: Middle Eastern, 0.017%; no homozygotes.

Submissions (4):

GeneDx
Classification: Uncertain significance. Last evaluated: 2025-07-18. Review status: criteria provided, single submitter. Criteria: GeneDx Variant Classification Process June 2021. Collection method: clinical testing. Allele origin: germline. Affected: yes.
Comment: Canonical splice site variant in a gene for which loss-of-function is not a known mechanism of disease; Not observed at significant frequency in large population cohorts (gnomAD); Has not been previously published as pathogenic or benign to our knowledge

PreventionGenetics, part of Exact Sciences
Classification: Uncertain significance for BIN1-related condition. Last evaluated: 2024-10-07. Review status: criteria provided, single submitter. Criteria: ACMG Guidelines, 2015. Collection method: clinical testing. Allele origin: germline.
Comment: The BIN1 c.1002+2T>C variant is predicted to disrupt the GT donor site and interfere with normal splicing. To our knowledge, this variant has not been reported in the literature or in a large population database, indicating this variant is rare. Variants that disrupt the consensus splice donor site in BIN1 are expected to be pathogenic. This variant is interpreted as likely pathogenic.

Genomic Medicine Center of Excellence, King Faisal Specialist Hospital and Research Centre
Classification: Pathogenic for Myopathy, centronuclear, 2. Last evaluated: 2024-03-25. Review status: criteria provided, single submitter. Criteria: ACMG Guidelines, 2015. Collection method: clinical testing. Allele origin: germline.

Revvity Omics, Revvity
Classification: Likely pathogenic for Myopathy, centronuclear, 2. Last evaluated: 2020-03-27. Review status: criteria provided, single submitter. Criteria: ACMG Guidelines, 2015. Collection method: clinical testing. Allele origin: germline.

NM_139343.3(BIN1):c.1002+2T>C

Gene: BIN1 (bridging integrator 1; minus strand). Cytogenetic location: 2q14.3.
Variant type: single nucleotide variant.
Coding change: c.1002+2T>C on transcript NM_139343.3 (MANE Select); the canonical splice donor site of the intron after coding-DNA position 1002, T replaced by C.
Molecular consequence: splice donor variant.
Genome position (GRCh38, 1-based): chr2:127,059,009, A>G on the plus strand (T>C on the coding strand, the complement: BIN1 is on the minus strand). VCF-style: chr2-127059009-A-G. GRCh37 (hg19) VCF-style: chr2-127816585-A-G.
Other names: c.921+2T>C (NM_001320642.1); c.837+2T>C (NM_001320634.1); c.909+2T>C (NM_139351.3, NM_139350.3, NM_139349.3 and 3 more transcripts); c.954+2T>C (NM_001320632.2, NM_004305.4, NM_139346.3); c.1002+2T>C (NM_001320633.2, NM_139345.3, NM_139344.3 and 1 more transcripts).
Identifiers: ClinVar variation 432181 (VCV000432181.11), dbSNP rs1553458019, ClinGen allele CA348379141.
Genomic context (GRCh38, chr2:127,059,009, plus strand): 5'-ACAGCAAAGCCGGAGGAGAAGGAGGGAGGGCAGGGGACCTGCTACCAAGACATCACTCCT[A>G]CCTGAGATGGGGACTTGGGGAGGGTGGCCCCGGGCGTGGCCCCGCCGGCCGGCTCTGGCT-3'